The following is an entry in ClinVar:

NM_003128.3(SPTBN1):c.1360C>T (p.Leu454Phe)

Gene: SPTBN1 (spectrin beta, non-erythrocytic 1; plus strand). Cytogenetic location: 2p16.2.
Variant type: single nucleotide variant.
Coding change: c.1360C>T on transcript NM_003128.3 (MANE Select); coding-DNA position 1360, C replaced by T.
Protein change: p.Leu454Phe; replaces leucine 454 with phenylalanine.
Molecular consequence: missense variant.
Genome position (GRCh38, 1-based): chr2:54,625,950, C>T. VCF-style: chr2-54625950-C-T. GRCh37 (hg19) VCF-style: chr2-54853087-C-T.
Other names: c.1321C>T, p.Leu441Phe (NM_178313.3); short protein forms L441F, L454F.
Identifiers: ClinVar variation 3027271 (VCV003027271.22), dbSNP rs201571724, ClinGen allele CA346871415.

ClinVar aggregate classification (germline): Uncertain significance (1 of 4 stars; one submission).

Allele frequency attached by ClinVar (database versions not stated): gnomAD exomes below 0.00001.
gnomAD v4.1: 1 of 1,613,638 alleles (0.000062%); highest among the groups gnomAD compares: Non-Finnish European, 0.000085%; no homozygotes.

Submission:

CeGaT Center for Human Genetics Tuebingen
Classification: Uncertain significance. Last evaluated: 2024-02-01. Review status: criteria provided, single submitter. Criteria: CeGaT Center For Human Genetics Tuebingen Variant Classification Criteria Version 2. Collection method: clinical testing. Allele origin: germline. Affected: yes. Observed: 1 variant allele.
Comment: SPTBN1: PM2